The following is an entry in ClinVar:

NM_001378454.1(ALMS1):c.9173A>G (p.Lys3058Arg)

Gene: ALMS1 (ALMS1 centrosome and basal body associated protein; plus strand). Cytogenetic location: 2p13.1.
Variant type: single nucleotide variant.
Coding change: c.9173A>G on transcript NM_001378454.1 (MANE Select); coding-DNA position 9173, A replaced by G.
Protein change: p.Lys3058Arg; replaces lysine 3058 with arginine.
Molecular consequence: missense variant.
Genome position (GRCh38, 1-based): chr2:73,491,132, A>G. VCF-style: chr2-73491132-A-G. GRCh37 (hg19) VCF-style: chr2-73718259-A-G.
Other names: c.9176A>G, p.Lys3059Arg (NM_015120.4); short protein forms K3059R, K3058R.
Identifiers: ClinVar variation 553571 (VCV000553571.29), dbSNP rs149329669, ClinGen allele CA1714615.
Genomic context (GRCh38, chr2:73,491,132, plus strand): 5'-CTTCAAATAGAAAAGCACTTTCTTGTGTTCATATAACTCTTTGTCCCAAGACTTCTTCCA[A>G]GTTGGATAGTGGAACTTTAGATGAAAGATTCCATTCATTGGATGCTGCTTCTAAAGCGAG-3'
Protein context (NP_001365383.1, residues 3048-3068): HITLCPKTSS[Lys3058Arg]LDSGTLDERF

ClinVar aggregate classification (germline): Conflicting classifications of pathogenicity. Review status: criteria provided, conflicting classifications (1 of 4 stars). 5 submissions from 5 submitters: Uncertain significance (3); Likely benign (1). 1 of the submissions does not count toward it. Last evaluated 2025-02-18.

Conditions:
Cardiovascular phenotype. Identifiers: MedGen CN230736.
Alstrom syndrome (ALMS). Identifiers: Orphanet 64, MedGen C0268425, MONDO:0008763, OMIM 203800.

Allele frequency attached by ClinVar (database versions not stated): TOPMed 0.00003; gnomAD 0.00004; ESP Exome Variant Server 0.00008.
gnomAD v4.1: 23 of 1,614,004 alleles (0.0014%); highest among the groups gnomAD compares: African/African-American, 0.017%; no homozygotes.

Submissions (5):

Ambry Genetics
Classification: Likely benign for Cardiovascular phenotype. Last evaluated: 2025-02-18. Review status: criteria provided, single submitter. Criteria: Ambry Variant Classification Scheme 2023. Collection method: clinical testing. Allele origin: germline.

CeGaT Center for Human Genetics Tuebingen
Classification: Uncertain significance. Last evaluated: 2024-02-01. Review status: criteria provided, single submitter. Criteria: CeGaT Center For Human Genetics Tuebingen Variant Classification Criteria Version 2. Collection method: clinical testing. Allele origin: germline. Affected: yes. Observed: 1 variant allele.
Comment: ALMS1: PM2

Labcorp Genetics (formerly Invitae), Labcorp
Classification: Uncertain significance for Alstrom syndrome. Last evaluated: 2022-05-31. Review status: criteria provided, single submitter. Criteria: Invitae Variant Classification Sherloc (09022015). Collection method: clinical testing. Allele origin: germline.
Comment: This sequence change replaces lysine, which is basic and polar, with arginine, which is basic and polar, at codon 3059 of the ALMS1 protein (p.Lys3059Arg). This variant is present in population databases (rs149329669, gnomAD 0.02%). This variant has not been reported in the literature in individuals affected with ALMS1-related conditions. ClinVar contains an entry for this variant (Variation ID: 553571). In summary, the available evidence is currently insufficient to determine the role of this variant in disease. Therefore, it has been classified as a Variant of Uncertain Significance.

Fulgent Genetics
Classification: Uncertain significance for Alstrom syndrome. Last evaluated: 2022-03-28. Review status: criteria provided, single submitter. Criteria: ACMG Guidelines, 2015. Collection method: clinical testing. Allele origin: unknown.

Counsyl
Classification: Uncertain significance for Alstrom syndrome. Last evaluated: 2017-08-30. Review status: no assertion criteria provided. Collection method: clinical testing. Allele origin: unknown. Not counted in ClinVar's aggregate classification.